The following is an entry in ClinVar:

NM_000337.6(SGCD):c.*6430G>A

Gene: SGCD (sarcoglycan delta; plus strand). Cytogenetic location: 5q33.3.
Variant type: single nucleotide variant.
Coding change: c.*6430G>A on transcript NM_000337.6 (MANE Select); 6430 bases downstream of the stop codon, G replaced by A.
Molecular consequence: 3 prime UTR variant.
Genome position (GRCh38, 1-based): chr5:156,765,820, G>A. VCF-style: chr5-156765820-G-A. GRCh37 (hg19) VCF-style: chr5-156192831-G-A.
Other names: c.*6430G>A (NM_001128209.2).
Identifiers: ClinVar variation 352421 (VCV000352421.6), dbSNP rs185162959, ClinGen allele CA10623716.

ClinVar aggregate classification (germline): Likely benign (1 of 4 stars; one submission).

Conditions:
Qualitative or quantitative defects of delta-sarcoglycan. Identifiers: Orphanet 207070, MedGen C5680806, MONDO:0016144.

Allele frequency attached by ClinVar (database versions not stated): gnomAD 0.00119 and 0.00120; 1000 Genomes Project 0.00140; 1000 Genomes Project 30x 0.00141; TOPMed 0.00150.

Submission:

Illumina Laboratory Services, Illumina
Classification: Likely benign for Qualitative or quantitative defects of delta-sarcoglycan. Last evaluated: 2018-01-12. Review status: criteria provided, single submitter. Criteria: ICSL Variant Classification Criteria 13 December 2019. Collection method: clinical testing. Allele origin: germline.
Comment: This variant was observed in the ICSL laboratory as part of a predisposition screen in an ostensibly healthy population. It had not been previously curated by ICSL or reported in the Human Gene Mutation Database (HGMD: prior to June 1st, 2018), and was therefore a candidate for classification through an automated scoring system. Utilizing variant allele frequency, disease prevalence and penetrance estimates, and inheritance mode, an automated score was calculated to assess if this variant is too frequent to cause the disease. Based on the score and internal cut-off values, a variant classified as likely benign is not then subjected to further curation. The score for this variant resulted in a classification of likely benign for this disease.